The following is an entry in ClinVar:

ClinVar aggregate classification (germline): Uncertain significance (1 of 4 stars; one submission).

Conditions:
Hereditary spastic paraplegia 43. Also called: Spastic paraplegia 43, autosomal recessive. Identifiers: Orphanet 320370, MedGen C2680446, MONDO:0014024, OMIM 615043.

Allele frequency attached by ClinVar (database versions not stated): TOPMed 0.00005; gnomAD 0.00005.
gnomAD v4.1: 9 of 1,613,164 alleles (0.00056%); highest among the groups gnomAD compares: African/African-American, 0.012%; no homozygotes.

Submission:

Labcorp Genetics (formerly Invitae), Labcorp
Classification: Uncertain significance for Hereditary spastic paraplegia 43. Last evaluated: 2022-08-08. Review status: criteria provided, single submitter. Criteria: Invitae Variant Classification Sherloc (09022015). Collection method: clinical testing. Allele origin: germline.
Comment: In summary, the available evidence is currently insufficient to determine the role of this variant in disease. Therefore, it has been classified as a Variant of Uncertain Significance. Algorithms developed to predict the effect of missense changes on protein structure and function are either unavailable or do not agree on the potential impact of this missense change (SIFT: "Deleterious"; PolyPhen-2: "Possibly Damaging"; Align-GVGD: "Class C0"). This variant has not been reported in the literature in individuals affected with C19orf12-related conditions. This variant is present in population databases (no rsID available, gnomAD 0.03%). This sequence change replaces glycine, which is neutral and non-polar, with alanine, which is neutral and non-polar, at codon 54 of the C19orf12 protein (p.Gly54Ala).

NM_031448.6(C19orf12):c.128G>C (p.Gly43Ala)

Gene: C19orf12 (chromosome 19 open reading frame 12; minus strand). Cytogenetic location: 19q12.
Variant type: single nucleotide variant.
Coding change: c.128G>C on transcript NM_031448.6 (MANE Select); coding-DNA position 128, G replaced by C.
Protein change: p.Gly43Ala; replaces glycine 43 with alanine.
Molecular consequence: missense variant. On other transcripts: 5 prime UTR variant (1), intron variant (2).
Genome position (GRCh38, 1-based): chr19:29,708,286, C>G on the plus strand (G>C on the coding strand, the complement: C19orf12 is on the minus strand). VCF-style: chr19-29708286-C-G. GRCh37 (hg19) VCF-style: chr19-30199193-C-G.
Other names: c.128G>C, p.Gly43Ala (NM_001031726.4, NM_001256046.3, NM_001256047.2); c.-186G>C (NM_001282931.3); c.-32-5309G>C (NM_001282929.1, NM_001282930.3); short protein forms G43A.
Identifiers: ClinVar variation 2062933 (VCV002062933.4), dbSNP rs1290663916, ClinGen allele CA405145433.